The following is an entry in ClinVar:

ClinVar aggregate classification (germline): Uncertain significance (1 of 4 stars; one submission).

Conditions:
Mitochondrial complex II deficiency, nuclear type 1. Also called: SUCCINATE CoQ REDUCTASE DEFICIENCY. Identifiers: Orphanet 3208, MedGen C5700310, MONDO:0100294, OMIM 252011.
Pheochromocytoma/paraganglioma syndrome 5. Also called: Paragangliomas 5; SDHA-Related Hereditary Paraganglioma-Pheochromocytoma Syndrome. Identifiers: Orphanet 29072, MedGen C3279992, MONDO:0013602, OMIM 614165.

Submission:

Labcorp Genetics (formerly Invitae), Labcorp
Classification: Uncertain significance for Pheochromocytoma/paraganglioma syndrome 5; Mitochondrial complex II deficiency, nuclear type 1. Last evaluated: 2024-04-10. Review status: criteria provided, single submitter. Criteria: Invitae Variant Classification Sherloc (09022015). Collection method: clinical testing. Allele origin: germline.
Comment: This sequence change replaces glutamine, which is neutral and polar, with proline, which is neutral and non-polar, at codon 54 of the SDHA protein (p.Gln54Pro). This variant is not present in population databases (gnomAD no frequency). This variant has not been reported in the literature in individuals affected with SDHA-related conditions. Advanced modeling of protein sequence and biophysical properties (such as structural, functional, and spatial information, amino acid conservation, physicochemical variation, residue mobility, and thermodynamic stability) performed at Invitae indicates that this missense variant is not expected to disrupt SDHA protein function with a negative predictive value of 95%. In summary, the available evidence is currently insufficient to determine the role of this variant in disease. Therefore, it has been classified as a Variant of Uncertain Significance.

NM_004168.4(SDHA):c.161A>C (p.Gln54Pro)

Gene: SDHA (succinate dehydrogenase complex flavoprotein subunit A; plus strand). Cytogenetic location: 5p15.33.
Variant type: single nucleotide variant.
Coding change: c.161A>C on transcript NM_004168.4 (MANE Select); coding-DNA position 161, A replaced by C.
Protein change: p.Gln54Pro; replaces glutamine 54 with proline.
Molecular consequence: missense variant.
Genome position (GRCh38, 1-based): chr5:224,370, A>C. VCF-style: chr5-224370-A-C. GRCh37 (hg19) VCF-style: chr5-224485-A-C.
Other names: c.161A>C, p.Gln54Pro (NM_001294332.2, NM_001330758.2); short protein forms Q54P.
Identifiers: ClinVar variation 3752810 (VCV003752810.2).